The following is an entry in ClinVar:

NM_000246.4(CIITA):c.2919C>G (p.Phe973Leu)

Gene: CIITA (class II major histocompatibility complex transactivator; plus strand). Cytogenetic location: 16p13.13.
Variant type: single nucleotide variant.
Coding change: c.2919C>G on transcript NM_000246.4 (MANE Select); coding-DNA position 2919, C replaced by G.
Protein change: p.Phe973Leu; replaces phenylalanine 973 with leucine.
Molecular consequence: missense variant. On other transcripts: non-coding transcript variant (1).
Genome position (GRCh38, 1-based): chr16:10,915,600, C>G. VCF-style: chr16-10915600-C-G. GRCh37 (hg19) VCF-style: chr16-11009457-C-G.
Other names: c.2922C>G, p.Phe974Leu (NM_001286402.1, NM_001379332.1); c.1167C>G, p.Phe389Leu (NM_001286403.2); c.2775C>G, p.Phe925Leu (NM_001379330.1); c.2772C>G, p.Phe924Leu (NM_001379331.1); c.2919C>G, p.Phe973Leu (NM_001379333.1); c.2850C>G, p.Phe950Leu (NM_001379334.1); short protein forms F950L, F973L, F924L, F974L, F389L, F925L.
Identifiers: ClinVar variation 1407301 (VCV001407301.5), dbSNP rs199886989, ClinGen allele CA7900582.

ClinVar aggregate classification (germline): Uncertain significance (1 of 4 stars; one submission).

Conditions:
MHC class II deficiency. Also called: BLS, TYPE II; Bare lymphocyte syndrome 2. Identifiers: Orphanet 572, MedGen C5447452, MONDO:0008855.

Allele frequency attached by ClinVar (database versions not stated): ExAC 0.00001.
gnomAD v4.1: 5 of 1,614,136 alleles (0.00031%); highest among the groups gnomAD compares: Non-Finnish European, 0.00042%; no homozygotes.

Submission:

Labcorp Genetics (formerly Invitae), Labcorp
Classification: Uncertain significance for MHC class II deficiency. Last evaluated: 2021-08-27. Review status: criteria provided, single submitter. Criteria: Invitae Variant Classification Sherloc (09022015). Collection method: clinical testing. Allele origin: germline.
Comment: This sequence change replaces phenylalanine with leucine at codon 973 of the CIITA protein (p.Phe973Leu). The phenylalanine residue is highly conserved and there is a small physicochemical difference between phenylalanine and leucine. This variant is present in population databases (rs199886989, ExAC 0.001%). This variant has not been reported in the literature in individuals affected with CIITA-related conditions. Algorithms developed to predict the effect of missense changes on protein structure and function (SIFT, PolyPhen-2, Align-GVGD) all suggest that this variant is likely to be tolerated. In summary, the available evidence is currently insufficient to determine the role of this variant in disease. Therefore, it has been classified as a Variant of Uncertain Significance.